The following is an entry in ClinVar:

NM_001036.6(RYR3):c.12286A>T (p.Met4096Leu)

Gene: RYR3 (ryanodine receptor 3; plus strand). Cytogenetic location: 15q14.
Variant type: single nucleotide variant.
Coding change: c.12286A>T on transcript NM_001036.6 (MANE Select); coding-DNA position 12286, A replaced by T.
Protein change: p.Met4096Leu; replaces methionine 4096 with leucine.
Molecular consequence: missense variant.
Genome position (GRCh38, 1-based): chr15:33,838,266, A>T. VCF-style: chr15-33838266-A-T. GRCh37 (hg19) VCF-style: chr15-34130467-A-T.
Other names: c.12271A>T, p.Met4091Leu (NM_001243996.4); short protein forms M4091L, M4096L.
Identifiers: ClinVar variation 935738 (VCV000935738.9), dbSNP rs2078159290, ClinGen allele CA391594777.
Genomic context (GRCh38, chr15:33,838,266, plus strand): 5'-GGTGGGGAGCAGGAAAAGATGGAGCTGTTTGTGAACTTCTGTGAGGACACCATCTTTGAA[A>T]TGCAGTTAGCATCTCAGATCTCTGAATCCGATTCAGCTGACAGGCCAGAAGAGGAGGAAG-3'
Protein context (NP_001027.3, residues 4086-4106): VNFCEDTIFE[Met4096Leu]QLASQISESD

ClinVar aggregate classification (germline): Uncertain significance (1 of 4 stars; one submission).

Conditions:
Epileptic encephalopathy. Identifiers: MedGen C0543888, HP:0200134.

Submission:

Labcorp Genetics (formerly Invitae), Labcorp
Classification: Uncertain significance for Epileptic encephalopathy. Last evaluated: 2024-11-11. Review status: criteria provided, single submitter. Criteria: Invitae Variant Classification Sherloc (09022015). Collection method: clinical testing. Allele origin: germline.
Comment: This sequence change replaces methionine, which is neutral and non-polar, with leucine, which is neutral and non-polar, at codon 4096 of the RYR3 protein (p.Met4096Leu). This variant is not present in population databases (gnomAD no frequency). This variant has not been reported in the literature in individuals affected with RYR3-related conditions. ClinVar contains an entry for this variant (Variation ID: 935738). Invitae Evidence Modeling of protein sequence and biophysical properties (such as structural, functional, and spatial information, amino acid conservation, physicochemical variation, residue mobility, and thermodynamic stability) indicates that this missense variant is expected to disrupt RYR3 protein function with a positive predictive value of 80%. In summary, the available evidence is currently insufficient to determine the role of this variant in disease. Therefore, it has been classified as a Variant of Uncertain Significance.